The following is an entry in ClinVar:

NM_000088.4(COL1A1):c.1456G>T (p.Glu486Ter)

Gene: COL1A1 (collagen type I alpha 1 chain; minus strand). Cytogenetic location: 17q21.33.
Variant type: single nucleotide variant.
Coding change: c.1456G>T on transcript NM_000088.4 (MANE Select); coding-DNA position 1456, G replaced by T.
Protein change: p.Glu486Ter; replaces glutamic acid 486 with a stop codon.
Molecular consequence: nonsense.
Genome position (GRCh38, 1-based): chr17:50,194,726, C>A on the plus strand (G>T on the coding strand, the complement: COL1A1 is on the minus strand). VCF-style: chr17-50194726-C-A. GRCh37 (hg19) VCF-style: chr17-48272087-C-A.
Other names: short protein forms E486*.
Identifiers: ClinVar variation 2704014 (VCV002704014.3), dbSNP rs1171968124, ClinGen allele CA400217611.

ClinVar aggregate classification (germline): Pathogenic (1 of 4 stars; one submission).

Conditions:
Osteogenesis imperfecta type I (OI1). Also called: Classic Non-deforming Osteogenesis Imperfecta with Blue Sclerae; OI, TYPE I; OSTEOGENESIS IMPERFECTA TARDA; OSTEOGENESIS IMPERFECTA WITH BLUE SCLERAE; Osteogenesis imperfecta type 1; Lobstein's Disease. Identifiers: Orphanet 216796, Orphanet 666, MedGen C0023931, MONDO:0008146, OMIM 166200. Disease mechanism: loss of function.

Submission:

Labcorp Genetics (formerly Invitae), Labcorp
Classification: Pathogenic for Osteogenesis imperfecta type I. Last evaluated: 2023-12-19. Review status: criteria provided, single submitter. Criteria: Invitae Variant Classification Sherloc (09022015). Collection method: clinical testing. Allele origin: germline.
Comment: This sequence change creates a premature translational stop signal (p.Glu486*) in the COL1A1 gene. It is expected to result in an absent or disrupted protein product. Loss-of-function variants in COL1A1 are known to be pathogenic (PMID: 7942841, 9295084, 9443882). This variant is not present in population databases (gnomAD no frequency). This variant has not been reported in the literature in individuals affected with COL1A1-related conditions. For these reasons, this variant has been classified as Pathogenic.

Literature cited by the submitters: PubMed 7942841; PubMed 9295084; PubMed 9443882.